The following is an entry in ClinVar:

NM_019040.5(ELP4):c.15A>C (p.Ala5=)

Gene: ELP4 (elongator acetyltransferase complex subunit 4; plus strand). Cytogenetic location: 11p13.
Variant type: single nucleotide variant.
Coding change: c.15A>C on transcript NM_019040.5 (MANE Select); coding-DNA position 15, A replaced by C.
Protein change: p.Ala5=; no amino-acid change (alanine 5 retained).
Molecular consequence: synonymous variant.
Genome position (GRCh38, 1-based): chr11:31,509,799, A>C. VCF-style: chr11-31509799-A-C. GRCh37 (hg19) VCF-style: chr11-31531346-A-C.
Other names: c.15A>C, p.Ala5= (NM_001288725.2, NM_001288726.2).
Identifiers: ClinVar variation 771804 (VCV000771804.5), dbSNP rs368443240, ClinGen allele CA5933121.
Genomic context (GRCh38, chr11:31,509,799, plus strand): 5'-TTTGCGTTCCCAGAGTTCCTATTGGGTTAACACTGGAGGCTCTAAGATGGCGGCAGTGGC[A>C]ACCTGCGGTAGTGTTGCCGCGAGTACTGGGTCTGCAGTGGCGACAGCCAGCAAGAGCAAC-3'
Protein context (NP_061913.3, residues 1-15): MAAV[Ala5=]TCGSVAASTG

ClinVar aggregate classification (germline): Likely benign. Review status: criteria provided, single submitter (1 of 4 stars). 2 submissions from 2 submitters: Likely benign (1). 1 of the submissions does not count toward it. Last evaluated 2018-04-16.

Conditions:
ELP4-related disorder. Also called: ELP4-related condition.

Allele frequency attached by ClinVar (database versions not stated): gnomAD exomes 0.00006; ExAC 0.00007; ESP Exome Variant Server 0.00008; gnomAD 0.00019 and 0.00021; TOPMed 0.00020.
gnomAD v4.1: 53 of 1,614,010 alleles (0.0033%); highest among the groups gnomAD compares: African/African-American, 0.059%; no homozygotes.

Submissions (2):

Labcorp Genetics (formerly Invitae), Labcorp
Classification: Likely benign. Last evaluated: 2018-04-16. Review status: criteria provided, single submitter. Criteria: Invitae Variant Classification Sherloc (09022015). Collection method: clinical testing. Allele origin: germline.

PreventionGenetics, part of Exact Sciences
Classification: Likely benign for ELP4-related condition. Last evaluated: 2019-04-10. Review status: no assertion criteria provided. Collection method: clinical testing. Allele origin: germline. Not counted in ClinVar's aggregate classification.
Comment: This variant is classified as likely benign based on ACMG/AMP sequence variant interpretation guidelines (Richards et al. 2015 PMID: 25741868, with internal and published modifications).